The following is an entry in ClinVar:

ClinVar aggregate classification (germline): Uncertain significance (1 of 4 stars; one submission).

Conditions:
Hereditary spastic paraplegia 49 (HSAN9). Also called: Spastic paraplegia 49, autosomal recessive; TECPR2-Related Hereditary Sensory and Autonomic Neuropathy with Intellectual Disability; NEUROPATHY, HEREDITARY SENSORY AND AUTONOMIC, TYPE IX, WITH DEVELOPMENTAL DELAY. Identifiers: Orphanet 320385, MedGen C5190860, MONDO:0014016, OMIM 615031.

Allele frequency attached by ClinVar (database versions not stated): gnomAD exomes below 0.00001; ExAC 0.00001.
gnomAD v4.1: 2 of 1,613,956 alleles (0.00012%); highest among the groups gnomAD compares: African/African-American, 0.0013%; no homozygotes.

Submission:

Labcorp Genetics (formerly Invitae), Labcorp
Classification: Uncertain significance for Hereditary spastic paraplegia 49. Last evaluated: 2022-03-03. Review status: criteria provided, single submitter. Criteria: Invitae Variant Classification Sherloc (09022015). Collection method: clinical testing. Allele origin: germline.
Comment: In summary, the available evidence is currently insufficient to determine the role of this variant in disease. Therefore, it has been classified as a Variant of Uncertain Significance. Algorithms developed to predict the effect of missense changes on protein structure and function output the following: SIFT: "Tolerated"; PolyPhen-2: "Benign"; Align-GVGD: "Class C0". The arginine amino acid residue is found in multiple mammalian species, which suggests that this missense change does not adversely affect protein function. This variant has not been reported in the literature in individuals affected with TECPR2-related conditions. This variant is present in population databases (rs760846127, gnomAD 0.0009%). This sequence change replaces histidine, which is basic and polar, with arginine, which is basic and polar, at codon 1002 of the TECPR2 protein (p.His1002Arg).

NM_014844.5(TECPR2):c.3005A>G (p.His1002Arg)

Gene: TECPR2 (tectonin beta-propeller repeat containing 2; plus strand). Cytogenetic location: 14q32.31.
Variant type: single nucleotide variant.
Coding change: c.3005A>G on transcript NM_014844.5 (MANE Select); coding-DNA position 3005, A replaced by G.
Protein change: p.His1002Arg; replaces histidine 1002 with arginine.
Molecular consequence: missense variant.
Genome position (GRCh38, 1-based): chr14:102,445,877, A>G. VCF-style: chr14-102445877-A-G. GRCh37 (hg19) VCF-style: chr14-102912214-A-G.
Other names: c.3005A>G, p.His1002Arg (NM_001172631.3); short protein forms H1002R.
Identifiers: ClinVar variation 2165098 (VCV002165098.4), dbSNP rs760846127, ClinGen allele CA7358115.